The following is an entry in ClinVar:

NM_001378120.1(MBD5):c.2539T>C (p.Ser847Pro)

Gene: MBD5 (methyl-CpG binding domain protein 5; plus strand). Cytogenetic location: 2q23.1.
Variant type: single nucleotide variant.
Coding change: c.2539T>C on transcript NM_001378120.1 (MANE Select); coding-DNA position 2539, T replaced by C.
Protein change: p.Ser847Pro; replaces serine 847 with proline.
Molecular consequence: missense variant.
Genome position (GRCh38, 1-based): chr2:148,483,130, T>C. VCF-style: chr2-148483130-T-C. GRCh37 (hg19) VCF-style: chr2-149240699-T-C.
Other names: c.2539T>C, p.Ser847Pro (NM_018328.5); short protein forms S847P.
Identifiers: ClinVar variation 1442942 (VCV001442942.6), dbSNP rs2105071445, ClinGen allele CA348722177.

ClinVar aggregate classification (germline): Uncertain significance (1 of 4 stars; one submission).

Conditions:
Intellectual developmental disorder, autosomal dominant 1. Also called: Intellectual disability, autosomal dominant 1; MBD5 Haploinsufficiency. Identifiers: Orphanet 228402, MedGen C1969562, MONDO:0007974, OMIM 156200.

Submission:

Labcorp Genetics (formerly Invitae), Labcorp
Classification: Uncertain significance for Intellectual developmental disorder, autosomal dominant 1. Last evaluated: 2021-10-20. Review status: criteria provided, single submitter. Criteria: Invitae Variant Classification Sherloc (09022015). Collection method: clinical testing. Allele origin: germline.
Comment: This sequence change replaces serine with proline at codon 847 of the MBD5 protein (p.Ser847Pro). The serine residue is highly conserved and there is a moderate physicochemical difference between serine and proline. Algorithms developed to predict the effect of missense changes on protein structure and function (SIFT, PolyPhen-2, Align-GVGD) all suggest that this variant is likely to be disruptive. This variant has not been reported in the literature in individuals affected with MBD5-related conditions. This variant is not present in population databases (ExAC no frequency). In summary, the available evidence is currently insufficient to determine the role of this variant in disease. Therefore, it has been classified as a Variant of Uncertain Significance.